The following is an entry in ClinVar:

ClinVar aggregate classification (germline): Pathogenic (1 of 4 stars; one submission).

Submission:

Labcorp Genetics (formerly Invitae), Labcorp
Classification: Pathogenic. Last evaluated: 2024-05-21. Review status: criteria provided, single submitter. Criteria: Invitae Variant Classification Sherloc (09022015). Collection method: clinical testing. Allele origin: germline.
Comment: This sequence change creates a premature translational stop signal (p.Gln116*) in the UCHL1 gene. It is expected to result in an absent or disrupted protein product. Loss-of-function variants in UCHL1 are known to be pathogenic (PMID: 35986737). This variant is not present in population databases (gnomAD no frequency). This variant has not been reported in the literature in individuals affected with UCHL1-related conditions. Algorithms developed to predict the effect of sequence changes on RNA splicing suggest that this variant may disrupt the consensus splice site. For these reasons, this variant has been classified as Pathogenic.

Literature cited by the submitters: PubMed 35986737.

NM_004181.5(UCHL1):c.346C>T (p.Gln116Ter)

Gene: UCHL1 (ubiquitin C-terminal hydrolase L1; plus strand). Cytogenetic location: 4p13.
Variant type: single nucleotide variant.
Coding change: c.346C>T on transcript NM_004181.5 (MANE Select); coding-DNA position 346, C replaced by T.
Protein change: p.Gln116Ter; replaces glutamine 116 with a stop codon.
Molecular consequence: nonsense.
Genome position (GRCh38, 1-based): chr4:41,261,735, C>T. VCF-style: chr4-41261735-C-T. GRCh37 (hg19) VCF-style: chr4-41263752-C-T.
Other names: short protein forms Q116*.
Identifiers: ClinVar variation 3697686 (VCV003697686.2).
Genomic context (GRCh38, chr4:41,261,735, plus strand): 5'-ATTATTTTACCTATACTAACACATCCATTTTTTTTTTAAGAGGATGGATCAGTTCTGAAA[C>T]AGTTTCTTTCTGAAACAGAGAAAATGTCCCCTGAAGACAGAGCAAAATGCTTTGAAAAGA-3'